The following is an entry in ClinVar:

ClinVar aggregate classification (germline): Likely benign (1 of 4 stars; one submission).

Allele frequency attached by ClinVar (database versions not stated): gnomAD 0.00575 and 0.00604; TOPMed 0.00658; 1000 Genomes Project 0.00779; 1000 Genomes Project 30x 0.00937.
gnomAD v4.1: 1,442 of 1,062,650 alleles (0.14%); highest among the groups gnomAD compares: African/African-American, 2%; 18 homozygotes.

Submission:

GeneDx
Classification: Likely benign. Last evaluated: 2018-06-16. Review status: criteria provided, single submitter. Criteria: GeneDx Variant Classification (06012015). Collection method: clinical testing. Allele origin: germline. Affected: yes.
Comment: This variant is considered likely benign or benign based on one or more of the following criteria: it is a conservative change, it occurs at a poorly conserved position in the protein, it is predicted to be benign by multiple in silico algorithms, and/or has population frequency not consistent with disease.

NM_012463.4(ATP6V0A2):c.1936-147C>T

Gene: ATP6V0A2 (ATPase H+ transporting V0 subunit a2; plus strand). Cytogenetic location: 12q24.31.
Variant type: single nucleotide variant.
Coding change: c.1936-147C>T on transcript NM_012463.4 (MANE Select); 147 bases into the intron before coding-DNA position 1936, C replaced by T.
Molecular consequence: intron variant.
Genome position (GRCh38, 1-based): chr12:123,750,963, C>T. VCF-style: chr12-123750963-C-T. GRCh37 (hg19) VCF-style: chr12-124235510-C-T.
Identifiers: ClinVar variation 678991 (VCV000678991.1), dbSNP rs80175450, ClinGen allele CA245203995.